The following is an entry in ClinVar:

NM_000143.4(FH):c.40del (p.Leu14fs)

Gene: FH (fumarate hydratase; minus strand). Cytogenetic location: 1q43.
Variant type: Deletion.
Coding change: c.40del on transcript NM_000143.4 (MANE Select); coding-DNA position 40, one base deleted (C; older notation c.40delC).
Protein change: p.Leu14fs; shifts the reading frame from leucine 14.
Molecular consequence: frameshift variant.
Genome position (GRCh38, 1-based): chr1:241,519,683, G deleted on the plus strand (C on the coding strand, the reverse complement: FH is on the minus strand); the first of 4 consecutive G bases (chr1:241,519,683-241,519,686); deleting any one gives the same sequence. VCF-style (leftmost placement, unchanged base first): chr1-241519682-AG-A. GRCh37 (hg19) VCF-style: chr1-241682982-AG-A.
Other names: short protein forms L14fs.
Identifiers: ClinVar variation 2911993 (VCV002911993.4), dbSNP rs1060500900, ClinGen allele CA2739274099.

ClinVar aggregate classification (germline): Pathogenic/Likely pathogenic. Review status: criteria provided, multiple submitters, no conflicts (2 of 4 stars). 2 submissions from 2 submitters: Pathogenic (1); Likely pathogenic (1). Last evaluated 2024-06-11.

Conditions:
Fumarase deficiency (FMRD). Also called: Fumaric aciduria; Fumarate Hydratase Deficiency. Identifiers: Orphanet 24, MedGen C0342770, MONDO:0011730, OMIM 606812.
Hereditary leiomyomatosis and renal cell cancer. Also called: Familial leiomyomatosis; FH tumor predisposition syndrome; MULTIPLE CUTANEOUS AND UTERINE LEIOMYOMATA 1, WITH OR WITHOUT RENAL CELL CARCINOMA; LEIOMYOMA, MULTIPLE CUTANEOUS; Reed syndrome; Multiple cutaneous and uterine leiomyomatosis. Identifiers: Orphanet 523, MedGen C1708350, MONDO:0007888, OMIM 150800, HP:0007437. Disease mechanism: loss of function.

Submissions (2):

Fulgent Genetics
Classification: Likely pathogenic for Hereditary leiomyomatosis and renal cell cancer; Fumarase deficiency. Last evaluated: 2024-06-11. Review status: criteria provided, single submitter. Criteria: ACMG Guidelines, 2015. Collection method: clinical testing. Allele origin: germline.

Labcorp Genetics (formerly Invitae), Labcorp
Classification: Pathogenic. Last evaluated: 2023-11-10. Review status: criteria provided, single submitter. Criteria: Invitae Variant Classification Sherloc (09022015). Collection method: clinical testing. Allele origin: germline.
Comment: This sequence change creates a premature translational stop signal (p.Leu14Serfs*9) in the FH gene. FH has two initiator codons, p.Met1 and p.Met44, which result in two different functional isoforms that localize to the mitochondria and cytosol, respectively (PMID: 21929734, 27037871). Loss-of-function variants in FH are known to be pathogenic (PMID: 11865300, 21398687). Variants affecting the mitochondrial isoform confer risk for fumarate hydratase deficiency, while variants that affect the cytosolic isoform confer risk for FH tumor predisposition syndrome. This variant is not present in population databases (gnomAD no frequency). This variant has not been reported in the literature in individuals affected with FH-related conditions. This variant disrupts the mitochondria-targeting sequence (MTS) of the FH protein, which is important for protein import into the mitochondria (PMID: 27037871). This suggests that disruption of this region is causative of fumarate hydratase deficiency. For these reasons, this variant has been classified as Pathogenic for autosomal recessive fumarate hydratase deficiency. However, this variant is not likely to confer risk for autosomal dominant FH tumor predisposition syndrome.

Literature cited by the submitters: PubMed 21929734 (cited by Labcorp Genetics (formerly Invitae), Labcorp); PubMed 27037871 (cited by Labcorp Genetics (formerly Invitae), Labcorp); PubMed 11865300 (cited by Labcorp Genetics (formerly Invitae), Labcorp); PubMed 21398687 (cited by Labcorp Genetics (formerly Invitae), Labcorp).